The following is an entry in ClinVar:

NM_000297.4(PKD2):c.961A>G (p.Ile321Val)

Gene: PKD2 (polycystin 2, transient receptor potential cation channel; plus strand). Cytogenetic location: 4q22.1.
Variant type: single nucleotide variant.
Coding change: c.961A>G on transcript NM_000297.4 (MANE Select); coding-DNA position 961, A replaced by G.
Protein change: p.Ile321Val; replaces isoleucine 321 with valine.
Molecular consequence: missense variant. On other transcripts: non-coding transcript variant (1).
Genome position (GRCh38, 1-based): chr4:88,038,368, A>G. VCF-style: chr4-88038368-A-G. GRCh37 (hg19) VCF-style: chr4-88959520-A-G.
Other names: short protein forms I321V.
Identifiers: ClinVar variation 645795 (VCV000645795.11), dbSNP rs778569884, ClinGen allele CA3003850.

ClinVar aggregate classification (germline): Uncertain significance. Review status: criteria provided, multiple submitters, no conflicts (2 of 4 stars). 3 submissions from 3 submitters: Uncertain significance (3). Last evaluated 2026-06-06.

Conditions:
Autosomal dominant polycystic kidney disease. Identifiers: Orphanet 730, MedGen C0085413, MONDO:0004691.
PKD2-related disorder. Also called: PKD2-related condition.

Allele frequency attached by ClinVar (database versions not stated): ExAC 0.00002; gnomAD 0.00002; TOPMed 0.00002; gnomAD exomes 0.00003 and 0.00005.
gnomAD v4.1: 82 of 1,614,014 alleles (0.0051%); highest among the groups gnomAD compares: Non-Finnish European, 0.0066%; no homozygotes.

Submissions (3):

GeneDx
Classification: Uncertain significance. Last evaluated: 2026-06-06. Review status: criteria provided, single submitter. Criteria: GeneDx Variant Classification Process June 2021. Collection method: clinical testing. Allele origin: germline.
Comment: In silico analysis suggests that this missense variant does not alter protein structure/function; Has not been previously published as pathogenic or benign to our knowledge

PreventionGenetics, part of Exact Sciences
Classification: Uncertain significance for PKD2-related condition. Last evaluated: 2025-08-28. Review status: criteria provided, single submitter. Criteria: ACMG Guidelines, 2015. Collection method: clinical testing. Allele origin: germline.
Comment: The PKD2 c.961A>G variant is predicted to result in the amino acid substitution p.Ile321Val. To our knowledge, this variant has not been reported in the literature. This variant is reported in 0.0085% of alleles in individuals of European (Non-Finnish) descent in gnomAD. At this time, the clinical significance of this variant is uncertain due to the absence of conclusive functional and genetic evidence.

Labcorp Genetics (formerly Invitae), Labcorp
Classification: Uncertain significance for Autosomal dominant polycystic kidney disease. Last evaluated: 2025-06-01. Review status: criteria provided, single submitter. Criteria: Invitae Variant Classification Sherloc (09022015). Collection method: clinical testing. Allele origin: germline.
Comment: This sequence change replaces isoleucine, which is neutral and non-polar, with valine, which is neutral and non-polar, at codon 321 of the PKD2 protein (p.Ile321Val). This variant is present in population databases (rs778569884, gnomAD 0.009%). This variant has not been reported in the literature in individuals affected with PKD2-related conditions. ClinVar contains an entry for this variant (Variation ID: 645795). Invitae Evidence Modeling of protein sequence and biophysical properties (such as structural, functional, and spatial information, amino acid conservation, physicochemical variation, residue mobility, and thermodynamic stability) indicates that this missense variant is not expected to disrupt PKD2 protein function with a negative predictive value of 80%. In summary, the available evidence is currently insufficient to determine the role of this variant in disease. Therefore, it has been classified as a Variant of Uncertain Significance.